The following is an entry in ClinVar:

NM_000154.2(GALK1):c.1035C>T (p.Gly345=)

Gene: GALK1 (galactokinase 1; minus strand). Cytogenetic location: 17q25.1.
Variant type: single nucleotide variant.
Coding change: c.1035C>T on transcript NM_000154.2 (MANE Select); coding-DNA position 1035, C replaced by T.
Protein change: p.Gly345=; no amino-acid change (glycine 345 retained).
Molecular consequence: synonymous variant.
Genome position (GRCh38, 1-based): chr17:75,758,282, G>A on the plus strand (C>T on the coding strand, the complement: GALK1 is on the minus strand). VCF-style: chr17-75758282-G-A. GRCh37 (hg19) VCF-style: chr17-73754363-G-A.
Identifiers: ClinVar variation 735347 (VCV000735347.35), dbSNP rs576223041, ClinGen allele CA8770757.
Genomic context (GRCh38, chr17:75,758,282, plus strand): 5'-CATGGCGTGGGGAGCAGCGGAGGCCTCCAGCAGTGTCACCGTGCAGCCACCGAAGCCACC[G>A]CCCGTCATGCGGCTGCCATAAACCCCAGGCACAGCAAGCGCAGCCTCCACCAGCTGGTCC-3'
Protein context (NP_000145.1, residues 335-355): VPGVYGSRMT[Gly345=]GGFGGCTVTL

ClinVar aggregate classification (germline): Likely benign. Review status: criteria provided, multiple submitters, no conflicts (2 of 4 stars). 2 submissions from 2 submitters: Likely benign (2). Last evaluated 2026-01-28.

Conditions:
Deficiency of galactokinase. Also called: Galactokinase deficiency with cataracts; GALACTOSEMIA II. Identifiers: Orphanet 352, Orphanet 79237, MedGen C0268155, MONDO:0009255, OMIM 230200.

Allele frequency attached by ClinVar (database versions not stated): gnomAD 0.00002 and 0.00006; gnomAD exomes 0.00004 and 0.00013; TOPMed 0.00008; ExAC 0.00018; 1000 Genomes Project 0.00040; 1000 Genomes Project 30x 0.00062.
gnomAD v4.1: 69 of 1,591,154 alleles (0.0043%); highest among the groups gnomAD compares: South Asian, 0.038%; no homozygotes.

Submissions (2):

Labcorp Genetics (formerly Invitae), Labcorp
Classification: Likely benign for Deficiency of galactokinase. Last evaluated: 2026-01-28. Review status: criteria provided, single submitter. Criteria: Invitae Variant Classification Sherloc (09022015). Collection method: clinical testing. Allele origin: germline.

CeGaT Center for Human Genetics Tuebingen
Classification: Likely benign. Last evaluated: 2023-03-01. Review status: criteria provided, single submitter. Criteria: CeGaT Center For Human Genetics Tuebingen Variant Classification Criteria Version 2. Collection method: clinical testing. Allele origin: germline. Affected: yes. Observed: 1 variant allele.
Comment: GALK1: BP4, BP7